The following is an entry in ClinVar:

ClinVar aggregate classification (germline): Pathogenic (1 of 4 stars; one submission).

Conditions:
POLG-related disorder. Also called: POLG-Related Spectrum Disorders; POLG-related condition; POLG-Related Disorders. Identifiers: MedGen C4763519.

Submission:

Myriad Genetics, Inc.
Classification: Pathogenic for POLG-related disorder. Last evaluated: 2024-05-23. Review status: criteria provided, single submitter. Criteria: Myriad Autosomal Dominant, Autosomal Recessive and X-Linked Classification Criteria (2023). Collection method: clinical testing. Allele origin: unknown.
Comment: NM_002693.2(POLG):c.133_134delCA(Q45Afs*198) is expected to be pathogenic in the context of POLG-related disorders. This variant is predicted to lead to an abnormal or absent protein product due to the creation of a premature termination codon in POLG, a gene where loss-of-function variants are known to be pathogenic. Please note: this variant was assessed in the context of healthy population screening.

NM_002693.3(POLG):c.133_134del (p.Gln45fs)

Genes: POLGARF (POLG alternative reading frame; minus strand), POLG (DNA polymerase gamma, catalytic subunit; minus strand). Cytogenetic location: 15q26.1.
Variant type: Deletion.
Coding change: c.133_134del on transcript NM_002693.3 (MANE Select); coding-DNA positions 133 to 134, 2 bases deleted (CA; older notation c.133_134delCA).
Protein change: p.Gln45fs; shifts the reading frame from glutamine 45.
Molecular consequence: frameshift variant.
Genome position (GRCh38, 1-based): chr15:89,333,621-89,333,622, TG deleted on the plus strand (CA on the coding strand, the reverse complement: POLG is on the minus strand). VCF-style (leftmost placement, unchanged base first): chr15-89333620-CTG-C. GRCh37 (hg19) VCF-style: chr15-89876851-CTG-C.
Other names: c.188_189del, p.Ala63fs (NM_001430120.1); c.133_134del, p.Gln45fs (NM_001126131.2); short protein forms A63fs, Q45fs.
Identifiers: ClinVar variation 5013099 (VCV005013099.1).